The following is an entry in ClinVar:

ClinVar aggregate classification (germline): Uncertain significance. Review status: criteria provided, multiple submitters, no conflicts (2 of 4 stars). 10 submissions from 9 submitters: Uncertain significance (10). Last evaluated 2026-02-21.

Conditions:
Tumor predisposition syndrome 3 (TPDS3). Also called: Melanoma, cutaneous malignant, susceptibility to, 10; Glioma susceptibility 9; LONG TELOMERE SYNDROME, POT1-RELATED; POT1 Tumor Predisposition. Identifiers: Orphanet 618, MedGen C4014476, MONDO:0014368, OMIM 615848.
Pulmonary fibrosis and/or bone marrow failure syndrome, telomere-related, 8 (PFBMFT8). Identifiers: MedGen C5830496, MONDO:0957263, OMIM 620367.
Cerebroretinal microangiopathy with calcifications and cysts 3 (CRMCC3). Identifiers: MedGen C5830497, MONDO:0957264, OMIM 620368.
POT1-related disorder. Also called: POT1-related condition.
Hereditary cancer-predisposing syndrome. Also called: Neoplastic Syndromes, Hereditary; Hereditary Cancer Syndrome; Tumor predisposition; Hereditary neoplastic syndrome. Identifiers: Orphanet 140162, MedGen C0027672, MeSH D009386, MONDO:0015356.

Allele frequency attached by ClinVar (database versions not stated): gnomAD 0.00006; TOPMed 0.00011; ESP Exome Variant Server 0.00015.
gnomAD v4.1: 226 of 1,613,918 alleles (0.014%); highest among the groups gnomAD compares: Non-Finnish European, 0.019%; no homozygotes.

Submissions (10):

PreventionGenetics, part of Exact Sciences
Classification: Uncertain significance for POT1-related condition. Last evaluated: 2026-02-21. Review status: criteria provided, single submitter. Criteria: ACMG Guidelines, 2015. Collection method: clinical testing. Allele origin: germline.
Comment: The POT1 c.1416T>G variant is predicted to result in the amino acid substitution p.Ser472Arg. To our knowledge, this variant has not been reported in the literature. This variant is reported in 0.019% of alleles in individuals of European (Non-Finnish) descent in gnomAD and is classified as having uncertain significance in ClinVar (Variation ID: 475044). At this time, the clinical significance of this variant is uncertain due to the absence of conclusive functional and genetic evidence.

Ambry Genetics
Classification: Uncertain significance for Hereditary cancer-predisposing syndrome. Last evaluated: 2025-08-05. Review status: criteria provided, single submitter. Criteria: Ambry Variant Classification Scheme 2023. Collection method: clinical testing. Allele origin: germline.

Quest Diagnostics Nichols Institute San Juan Capistrano
Classification: Uncertain significance. Last evaluated: 2025-07-22. Review status: criteria provided, single submitter. Criteria: Quest Diagnostics criteria. Collection method: clinical testing. Allele origin: unknown.
Comment: The POT1 c.1416T>G (p.Ser472Arg) variant has been reported in the published literature in an individual with a hematological malignancy (PMID: 34193977 (2021)). The frequency of this variant in the general population (Genome Aggregation Database) is higher than would generally be expected for pathogenic variants in this gene. Analysis of this variant using bioinformatics tools for the prediction of the effect of amino acid changes on protein structure and function yielded predictions that this variant is damaging. Based on the available information, we are unable to determine the clinical significance of this variant.

GeneDx
Classification: Uncertain significance. Last evaluated: 2025-04-28. Review status: criteria provided, single submitter. Criteria: GeneDx Variant Classification Process June 2021. Collection method: clinical testing. Allele origin: germline. Affected: yes.
Comment: Has not been previously published as pathogenic or benign to our knowledge; In silico analysis indicates that this missense variant does not alter protein structure/function; This variant is associated with the following publications: (PMID: 28393830)

Center for Genomic Medicine, Rigshospitalet, Copenhagen University Hospital
Classification: Uncertain significance. Last evaluated: 2025-03-04. Review status: criteria provided, single submitter. Criteria: ACMG Guidelines, 2015. Collection method: clinical testing. Allele origin: germline.

Labcorp Genetics (formerly Invitae), Labcorp
Classification: Uncertain significance for Tumor predisposition syndrome 3. Last evaluated: 2025-01-21. Review status: criteria provided, single submitter. Criteria: Invitae Variant Classification Sherloc (09022015). Collection method: clinical testing. Allele origin: germline.
Comment: This sequence change replaces serine, which is neutral and polar, with arginine, which is basic and polar, at codon 472 of the POT1 protein (p.Ser472Arg). This variant is present in population databases (rs146643991, gnomAD 0.02%). This variant has not been reported in the literature in individuals affected with POT1-related conditions. ClinVar contains an entry for this variant (Variation ID: 475044). Invitae Evidence Modeling of protein sequence and biophysical properties (such as structural, functional, and spatial information, amino acid conservation, physicochemical variation, residue mobility, and thermodynamic stability) indicates that this missense variant is not expected to disrupt POT1 protein function with a negative predictive value of 80%. RNA analysis performed to evaluate the impact of this missense change on mRNA splicing indicates it does not significantly alter splicing (internal data). In summary, the available evidence is currently insufficient to determine the role of this variant in disease. Therefore, it has been classified as a Variant of Uncertain Significance.

Fulgent Genetics
Classification: Uncertain significance for Tumor predisposition syndrome 3; Pulmonary fibrosis and/or bone marrow failure syndrome, telomere-related, 8; Cerebroretinal microangiopathy with calcifications and cysts 3. Last evaluated: 2023-12-31. Review status: criteria provided, single submitter. Criteria: ACMG Guidelines, 2015. Collection method: clinical testing. Allele origin: germline.

Genetic Services Laboratory, University of Chicago
Classification: Uncertain significance. Last evaluated: 2020-07-31. Review status: criteria provided, single submitter. Criteria: ACMG Guidelines, 2015. Collection method: clinical testing. Allele origin: germline. Affected: no.
Comment: DNA sequence analysis of the POT1 gene demonstrated a sequence change, c.1416T>G, in exon 15 that results in an amino acid change, p.Ser472Arg. This sequence change does not appear to have been previously described in patients with POT1-related disorders. This sequence change has been described in the gnomAD database with a low population frequency of 0.009% (dbSNP rs146643991). The p.Ser472Arg change affects a moderately conserved amino acid residue of the POT1 protein. In-silico pathogenicity prediction tools (SIFT, PolyPhen2, Align GVGD, REVEL) provide contradictory results for the p.Ser472Arg substitution. Due to these contrasting evidences and the lack of functional studies, the clinical significance of the p.Ser472Arg change remains unknown at this time.

Department of Pathology and Laboratory Medicine, Sinai Health System
Classification: Uncertain significance for Tumor predisposition syndrome 3; Pulmonary fibrosis and/or bone marrow failure syndrome, telomere-related, 8; Cerebroretinal microangiopathy with calcifications and cysts 3. Last evaluated: 2020-06-10. Review status: criteria provided, single submitter. Criteria: ACMG Guidelines, 2015. Collection method: research. Allele origin: germline.

Fulgent Genetics
Classification: Uncertain significance for Tumor predisposition syndrome 3. Last evaluated: 2018-10-31. Review status: criteria provided, single submitter. Criteria: ACMG Guidelines, 2015. Collection method: clinical testing. Allele origin: unknown.

Literature cited by the submitters: PubMed 34193977 (cited by Quest Diagnostics Nichols Institute San Juan Capistrano).

NM_015450.3(POT1):c.1416T>G (p.Ser472Arg)

Gene: POT1 (protection of telomeres 1; minus strand). Cytogenetic location: 7q31.33.
Variant type: single nucleotide variant.
Coding change: c.1416T>G on transcript NM_015450.3 (MANE Select); coding-DNA position 1416, T replaced by G.
Protein change: p.Ser472Arg; replaces serine 472 with arginine.
Molecular consequence: missense variant. On other transcripts: non-coding transcript variant (3).
Genome position (GRCh38, 1-based): chr7:124,835,368, A>C on the plus strand (T>G on the coding strand, the complement: POT1 is on the minus strand). VCF-style: chr7-124835368-A-C. GRCh37 (hg19) VCF-style: chr7-124475422-A-C.
Other names: c.1023T>G, p.Ser341Arg (NM_001042594.2); short protein forms S472R, S341R.
Identifiers: ClinVar variation 475044 (VCV000475044.43), dbSNP rs146643991, ClinGen allele CA4465123.
Genomic context (GRCh38, chr7:124,835,368, plus strand): 5'-AAATGGTGCTGAAAGGTCCAAAAGTTCCAGGTCTTCGTGGCCAGATCTCACAGGAATTAC[A>C]CTATTAAACTTGTTCGAGAGTTTGCAAATTTCACTGAGTGTACCTCCTGTTAAGAGAATA-3'
Protein context (NP_056265.2, residues 462-482): EICKLSNKFN[Ser472Arg]VIPVRSGHED